The following is an entry in ClinVar:

ClinVar aggregate classification (germline): Uncertain significance. Review status: criteria provided, multiple submitters, no conflicts (2 of 4 stars). 2 submissions from 2 submitters: Uncertain significance (2). Last evaluated 2025-12-19.

Conditions:
PACS2-related disorder. Also called: PACS2-related condition.

Allele frequency attached by ClinVar (database versions not stated): ExAC 0.00001.
gnomAD v4.1: 1 of 1,610,564 alleles (0.000062%); highest among the groups gnomAD compares: Non-Finnish European, 0.000085%; no homozygotes.

Submissions (2):

PreventionGenetics, part of Exact Sciences
Classification: Uncertain significance for PACS2-related condition. Last evaluated: 2025-12-19. Review status: criteria provided, single submitter. Criteria: ACMG Guidelines, 2015. Collection method: clinical testing. Allele origin: germline.
Comment: The PACS2 c.2424G>C variant is predicted to result in the amino acid substitution p.Glu808Asp. To our knowledge, this variant has not been reported in the literature. This variant is reported in 0.0016% of alleles in individuals of European (Non-Finnish) descent in gnomAD. At this time, the clinical significance of this variant is uncertain due to the absence of conclusive functional and genetic evidence.

Labcorp Genetics (formerly Invitae), Labcorp
Classification: Uncertain significance. Last evaluated: 2022-11-12. Review status: criteria provided, single submitter. Criteria: Invitae Variant Classification Sherloc (09022015). Collection method: clinical testing. Allele origin: germline.
Comment: This sequence change replaces glutamic acid, which is acidic and polar, with aspartic acid, which is acidic and polar, at codon 808 of the PACS2 protein (p.Glu808Asp). This variant is present in population databases (rs782549623, gnomAD 0.002%). This variant has not been reported in the literature in individuals affected with PACS2-related conditions. Advanced modeling of protein sequence and biophysical properties (such as structural, functional, and spatial information, amino acid conservation, physicochemical variation, residue mobility, and thermodynamic stability) performed at Invitae indicates that this missense variant is not expected to disrupt PACS2 protein function. In summary, the available evidence is currently insufficient to determine the role of this variant in disease. Therefore, it has been classified as a Variant of Uncertain Significance.

NM_001100913.3(PACS2):c.2424G>C (p.Glu808Asp)

Gene: PACS2 (phosphofurin acidic cluster sorting protein 2; plus strand). Cytogenetic location: 14q32.33.
Variant type: single nucleotide variant.
Coding change: c.2424G>C on transcript NM_001100913.3 (MANE Select); coding-DNA position 2424, G replaced by C.
Protein change: p.Glu808Asp; replaces glutamic acid 808 with aspartic acid.
Molecular consequence: missense variant.
Genome position (GRCh38, 1-based): chr14:105,392,787, G>C. VCF-style: chr14-105392787-G-C. GRCh37 (hg19) VCF-style: chr14-105859124-G-C.
Other names: c.2424G>C (NM_001100913.2); c.2154G>C, p.Glu718Asp (NM_001243127.3); c.2379G>C, p.Glu793Asp (NM_015197.4); short protein forms E718D, E793D, E808D.
Identifiers: ClinVar variation 2813842 (VCV002813842.4), dbSNP rs782549623, ClinGen allele CA7389261.